The following is an entry in ClinVar:

NC_000023.10:g.(?_100614261)_(100615763_?)del

Gene: BTK (Bruton tyrosine kinase; minus strand). Cytogenetic location: Xq22.1.
Variant type: Deletion.
Identifiers: ClinVar variation 2422283 (VCV002422283.3).

ClinVar aggregate classification (germline): Pathogenic (1 of 4 stars; one submission).

Conditions:
X-linked agammaglobulinemia with growth hormone deficiency (IGHD3). Also called: ISOLATED GROWTH HORMONE DEFICIENCY, TYPE III, WITH AGAMMAGLOBULINEMIA; HYPOGAMMAGLOBULINEMIA AND ISOLATED GROWTH HORMONE DEFICIENCY, X-LINKED; IGHD III; AGAMMAGLOBULINEMIA AND ISOLATED GROWTH HORMONE DEFICIENCY, X-LINKED; FLEISHER SYNDROME; Isolated growth hormone deficiency type 3. Identifiers: Orphanet 231692, Orphanet 631, MedGen C0472813, MONDO:0010615, OMIM 307200.

Submission:

Labcorp Genetics (formerly Invitae), Labcorp
Classification: Pathogenic for X-linked agammaglobulinemia with growth hormone deficiency. Last evaluated: 2022-04-16. Review status: criteria provided, single submitter. Criteria: Invitae Variant Classification Sherloc (09022015). Collection method: clinical testing. Allele origin: germline.
Comment: This variant is a gross deletion of the genomic region encompassing exon(s) 8-10 of the BTK gene. This variant would be expected to be in-frame, preserving the integrity of the reading frame. A similar copy number variant has been observed in individual(s) with clinical features of X-linked agammaglobulinemia (PMID: 9545398). Experimental studies and prediction algorithms are not available or were not evaluated, and the functional significance of this variant is currently unknown. This variant disrupts a region of the BTK protein in which other variant(s) (p.Arg288Gln) have been determined to be pathogenic (PMID: 9545398, 11206059, 11472359, 12217331, 15661032). This suggests that this is a clinically significant region of the protein, and that variants that disrupt it are likely to be disease-causing. For these reasons, this variant has been classified as Pathogenic.

Literature cited by the submitters: PubMed 9545398; PubMed 11206059; PubMed 11472359; PubMed 12217331; PubMed 15661032.